The following is an entry in ClinVar:

NM_001355436.2(SPTB):c.5985dup (p.Glu1996Ter)

Gene: SPTB (spectrin beta, erythrocytic; minus strand). Cytogenetic location: 14q23.3.
Variant type: Duplication.
Coding change: c.5985dup on transcript NM_001355436.2 (MANE Select); coding-DNA position 5985, one base duplicated (T; older notation c.5985dupT).
Protein change: p.Glu1996Ter; replaces glutamic acid 1996 with a stop codon.
Molecular consequence: nonsense.
Genome position (GRCh38, 1-based): chr14:64,769,071, A duplicated on the plus strand (T on the coding strand, the reverse complement: SPTB is on the minus strand). VCF-style (leftmost placement, unchanged base first): chr14-64769070-C-CA. GRCh37 (hg19) VCF-style: chr14-65235788-C-CA.
Other names: c.5985dup, p.Glu1996Ter (NM_001024858.4, NM_001355437.2); short protein forms E1996*.
Identifiers: ClinVar variation 3646409 (VCV003646409.2).

ClinVar aggregate classification (germline): Pathogenic (1 of 4 stars; one submission).

Submission:

Labcorp Genetics (formerly Invitae), Labcorp
Classification: Pathogenic. Last evaluated: 2024-03-16. Review status: criteria provided, single submitter. Criteria: Invitae Variant Classification Sherloc (09022015). Collection method: clinical testing. Allele origin: germline.
Comment: This sequence change creates a premature translational stop signal (p.Glu1996*) in the SPTB gene. It is expected to result in an absent or disrupted protein product. Loss-of-function variants in SPTB are known to be pathogenic (PMID: 1391962, 1498324, 8844207, 26830532, 27292444). This variant is not present in population databases (gnomAD no frequency). This variant has not been reported in the literature in individuals affected with SPTB-related conditions. For these reasons, this variant has been classified as Pathogenic.

Literature cited by the submitters: PubMed 1391962; PubMed 1498324; PubMed 8844207; PubMed 26830532; PubMed 27292444.